The following is an entry in ClinVar:

NM_001184.4(ATR):c.6686C>T (p.Pro2229Leu)

Gene: ATR (ATR checkpoint kinase; minus strand). Cytogenetic location: 3q23.
Variant type: single nucleotide variant.
Coding change: c.6686C>T on transcript NM_001184.4 (MANE Select); coding-DNA position 6686, C replaced by T.
Protein change: p.Pro2229Leu; replaces proline 2229 with leucine.
Molecular consequence: missense variant.
Genome position (GRCh38, 1-based): chr3:142,467,935, G>A on the plus strand (C>T on the coding strand, the complement: ATR is on the minus strand). VCF-style: chr3-142467935-G-A. GRCh37 (hg19) VCF-style: chr3-142186777-G-A.
Other names: c.6686C>T (NM_001184.3); c.6494C>T, p.Pro2165Leu (NM_001354579.2); short protein forms P2229L, P2165L.
Identifiers: ClinVar variation 1421239 (VCV001421239.7), dbSNP rs112373905, ClinGen allele CA2649288.

ClinVar aggregate classification (germline): Uncertain significance. Review status: criteria provided, multiple submitters, no conflicts (2 of 4 stars). 2 submissions from 2 submitters: Uncertain significance (2). Last evaluated 2025-07-30.

Conditions:
Inborn genetic diseases. Identifiers: MedGen C0950123, MeSH D030342.

Allele frequency attached by ClinVar (database versions not stated): gnomAD 0.00001; gnomAD exomes 0.00001 and 0.00002; ExAC 0.00002; 1000 Genomes Project 30x 0.00031.
gnomAD v4.1: 13 of 1,612,172 alleles (0.00081%); highest among the groups gnomAD compares: East Asian, 0.0022%; no homozygotes.

Submissions (2):

Labcorp Genetics (formerly Invitae), Labcorp
Classification: Uncertain significance. Last evaluated: 2025-07-30. Review status: criteria provided, single submitter. Criteria: Invitae Variant Classification Sherloc (09022015). Collection method: clinical testing. Allele origin: germline.
Comment: This sequence change replaces proline, which is neutral and non-polar, with leucine, which is neutral and non-polar, at codon 2229 of the ATR protein (p.Pro2229Leu). This variant is present in population databases (rs112373905, gnomAD 0.006%). This variant has not been reported in the literature in individuals affected with ATR-related conditions. ClinVar contains an entry for this variant (Variation ID: 1421239). An algorithm developed to predict the effect of missense changes on protein structure and function (PolyPhen-2) suggests that this variant is likely to be tolerated. Algorithms developed to predict the effect of sequence changes on RNA splicing suggest that this variant may disrupt the consensus splice site. In summary, the available evidence is currently insufficient to determine the role of this variant in disease. Therefore, it has been classified as a Variant of Uncertain Significance.

Ambry Genetics
Classification: Uncertain significance for Inborn genetic diseases. Last evaluated: 2022-06-24. Review status: criteria provided, single submitter. Criteria: Ambry Variant Classification Scheme 2023. Collection method: clinical testing. Allele origin: germline.